The following is an entry in ClinVar:

ClinVar aggregate classification (germline): Uncertain significance (1 of 4 stars; one submission).

Conditions:
Inborn genetic diseases. Identifiers: MedGen C0950123, MeSH D030342.

gnomAD v4.1: 9 of 1,613,976 alleles (0.00056%); highest among the groups gnomAD compares: Non-Finnish European, 0.00076%; no homozygotes.

Submission:

Ambry Genetics
Classification: Uncertain significance for Inborn genetic diseases. Last evaluated: 2025-07-12. Review status: criteria provided, single submitter. Criteria: Ambry Variant Classification Scheme 2023. Collection method: clinical testing. Allele origin: germline.
Comment: The p.A158P variant (also known as c.472G>C) is located in coding exon 7 of the ASXL1 gene. The alanine at codon 158 is replaced by proline, an amino acid with highly similar properties. This change occurs in the first base pair of coding exon 7. This amino acid position is conserved. In addition, this alteration is predicted to be tolerated by in silico analysis. Based on the available evidence, the clinical significance of this variant remains unclear.

NM_015338.6(ASXL1):c.472G>C (p.Ala158Pro)

Gene: ASXL1 (ASXL transcriptional regulator 1; plus strand). Cytogenetic location: 20q11.21.
Variant type: single nucleotide variant.
Coding change: c.472G>C on transcript NM_015338.6 (MANE Select); coding-DNA position 472, G replaced by C.
Protein change: p.Ala158Pro; replaces alanine 158 with proline.
Molecular consequence: missense variant.
Genome position (GRCh38, 1-based): chr20:32,429,338, G>C. VCF-style: chr20-32429338-G-C. GRCh37 (hg19) VCF-style: chr20-31017141-G-C.
Other names: c.442G>C, p.Ala148Pro (NM_001363734.1); short protein forms A148P, A158P.
Identifiers: ClinVar variation 4158187 (VCV004158187.1).